The following is an entry in ClinVar:

ClinVar aggregate classification (germline): Pathogenic (1 of 4 stars; one submission).

Conditions:
Hereditary cancer-predisposing syndrome. Also called: Neoplastic Syndromes, Hereditary; Tumor predisposition; Hereditary neoplastic syndrome; Hereditary Cancer Syndrome. Identifiers: Orphanet 140162, MedGen C0027672, MeSH D009386, MONDO:0015356.

Submission:

Ambry Genetics
Classification: Pathogenic for Hereditary cancer-predisposing syndrome. Last evaluated: 2023-03-11. Review status: criteria provided, single submitter. Criteria: Ambry Variant Classification Scheme 2023. Collection method: clinical testing. Allele origin: germline.
Comment: The c.971dupC pathogenic mutation, located in coding exon 11 of the MUTYH gene, results from a duplication of C at nucleotide position 971, causing a translational frameshift with a predicted alternate stop codon (p.S326Qfs*3). This variant is considered to be rare based on population cohorts in the Genome Aggregation Database (gnomAD). This alteration is expected to result in loss of function by premature protein truncation or nonsense-mediated mRNA decay. As such, this alteration is interpreted as a disease-causing mutation.

NM_001048174.2(MUTYH):c.887dup (p.Ser298fs)

Gene: MUTYH (mutY DNA glycosylase; minus strand). Cytogenetic location: 1p34.1.
Variant type: Duplication.
Coding change: c.887dup on transcript NM_001048174.2 (MANE Select); coding-DNA position 887, one base duplicated (C; older notation c.887dupC).
Protein change: p.Ser298fs; shifts the reading frame from serine 298.
Molecular consequence: frameshift variant. On other transcripts: non-coding transcript variant (7).
Genome position (GRCh38, 1-based): chr1:45,332,049, G duplicated on the plus strand (C on the coding strand, the reverse complement: MUTYH is on the minus strand). VCF-style (leftmost placement, unchanged base first): chr1-45332048-C-CG. GRCh37 (hg19) VCF-style: chr1-45797720-C-CG.
Other names: c.887dup, p.Ser298fs (NM_001048171.2, NM_001048173.2, NM_001293195.2 and 6 more transcripts); c.890dup, p.Ser299fs (NM_001048172.2, NM_001407071.1, NM_001407078.1 and 1 more transcripts); c.971dup, p.Ser326fs (NM_001128425.2); c.932dup, p.Ser313fs (NM_001293190.2); c.920dup, p.Ser309fs (NM_001293191.2, NM_001407069.1, NM_001407077.1); c.611dup, p.Ser206fs (NM_001293192.2, NM_001293196.2, NM_001407091.1); c.542dup, p.Ser183fs (NM_001350650.2, NM_001350651.2, NM_001407082.1); c.803dup, p.Ser270fs (NM_001407075.1); and 6 more; short protein forms S270fs, S183fs, S312fs, S323fs, S298fs, S299fs, S305fs, S309fs.
Identifiers: ClinVar variation 2453368 (VCV002453368.2), dbSNP rs2524051238, ClinGen allele CA2580063042.